The following is an entry in ClinVar:

ClinVar aggregate classification (germline): Uncertain significance (1 of 4 stars; one submission).

Conditions:
Cowden syndrome 6 (CWS6). Identifiers: Orphanet 201, MedGen C3554519, MONDO:0014048, OMIM 615109.

Submission:

Labcorp Genetics (formerly Invitae), Labcorp
Classification: Uncertain significance for Cowden syndrome 6. Last evaluated: 2021-12-24. Review status: criteria provided, single submitter. Criteria: Invitae Variant Classification Sherloc (09022015). Collection method: clinical testing. Allele origin: germline.
Comment: Experimental studies have shown that this missense change affects AKT1 function (PMID: 23237847, 31792197). In summary, the available evidence is currently insufficient to determine the role of this variant in disease. Therefore, it has been classified as a Variant of Uncertain Significance. Algorithms developed to predict the effect of missense changes on protein structure and function are either unavailable or do not agree on the potential impact of this missense change (SIFT: "Tolerated"; PolyPhen-2: "Possibly Damaging"; Align-GVGD: "Class C15"). This variant has not been reported in the literature in individuals affected with AKT1-related conditions. This variant is not present in population databases (gnomAD no frequency). This sequence change replaces cysteine, which is neutral and slightly polar, with phenylalanine, which is neutral and non-polar, at codon 77 of the AKT1 protein (p.Cys77Phe).

Literature cited by the submitters: PubMed 23237847; PubMed 31792197.

NM_001382430.1(AKT1):c.230G>T (p.Cys77Phe)

Gene: AKT1 (AKT serine/threonine kinase 1; minus strand). Cytogenetic location: 14q32.33.
Variant type: single nucleotide variant.
Coding change: c.230G>T on transcript NM_001382430.1 (MANE Select); coding-DNA position 230, G replaced by T.
Protein change: p.Cys77Phe; replaces cysteine 77 with phenylalanine.
Molecular consequence: missense variant.
Genome position (GRCh38, 1-based): chr14:104,776,716, C>A on the plus strand (G>T on the coding strand, the complement: AKT1 is on the minus strand). VCF-style: chr14-104776716-C-A. GRCh37 (hg19) VCF-style: chr14-105243053-C-A.
Other names: c.230G>T, p.Cys77Phe (NM_001014431.2, NM_001014432.2, NM_001382431.1 and 3 more transcripts); short protein forms C77F.
Identifiers: ClinVar variation 2056720 (VCV002056720.4), dbSNP rs2140930334, ClinGen allele CA391220731.